The following is an entry in ClinVar:

NM_000709.4(BCKDHA):c.282C>A (p.Asp94Glu)

Gene: BCKDHA (branched chain keto acid dehydrogenase E1 subunit alpha; plus strand). Cytogenetic location: 19q13.2.
Variant type: single nucleotide variant.
Coding change: c.282C>A on transcript NM_000709.4 (MANE Select); coding-DNA position 282, C replaced by A.
Protein change: p.Asp94Glu; replaces aspartic acid 94 with glutamic acid.
Molecular consequence: missense variant.
Genome position (GRCh38, 1-based): chr19:41,410,810, C>A. VCF-style: chr19-41410810-C-A. GRCh37 (hg19) VCF-style: chr19-41916715-C-A.
Other names: c.282C>A, p.Asp94Glu (NM_001164783.2); short protein forms D94E.
Identifiers: ClinVar variation 1943557 (VCV001943557.2), dbSNP rs922714716, ClinGen allele CA406005084.

ClinVar aggregate classification (germline): Uncertain significance (1 of 4 stars; one submission).

Conditions:
Maple syrup urine disease (MSUD). Identifiers: Orphanet 511, MedGen C0024776, MeSH D008375, MONDO:0009563. Disease mechanism: loss of function.

gnomAD v4.1: 1 of 1,614,134 alleles (0.000062%); no homozygotes.

Submission:

Labcorp Genetics (formerly Invitae), Labcorp
Classification: Uncertain significance for Maple syrup urine disease. Last evaluated: 2021-08-28. Review status: criteria provided, single submitter. Criteria: Invitae Variant Classification Sherloc (09022015). Collection method: clinical testing. Allele origin: germline.
Comment: This sequence change replaces aspartic acid with glutamic acid at codon 94 of the BCKDHA protein (p.Asp94Glu). The aspartic acid residue is highly conserved and there is a small physicochemical difference between aspartic acid and glutamic acid. This variant is not present in population databases (ExAC no frequency). This variant has not been reported in the literature in individuals affected with BCKDHA-related conditions. Algorithms developed to predict the effect of missense changes on protein structure and function are either unavailable or do not agree on the potential impact of this missense change (SIFT: "Deleterious"; PolyPhen-2: "Benign"; Align-GVGD: "Class C35"). In summary, the available evidence is currently insufficient to determine the role of this variant in disease. Therefore, it has been classified as a Variant of Uncertain Significance.